The following is an entry in ClinVar:

ClinVar aggregate classification (germline): Uncertain significance (1 of 4 stars; one submission).

Conditions:
Malignant hyperthermia, susceptibility to, 5 (MHS5). Also called: CACNA1S-Related Malignant Hyperthermia Susceptibility. Identifiers: Orphanet 423, MedGen C1866077, MONDO:0011163, OMIM 601887.

Submission:

All of Us Research Program, National Institutes of Health
Classification: Uncertain significance for Malignant hyperthermia, susceptibility to, 5. Last evaluated: 2024-03-05. Review status: criteria provided, single submitter. Criteria: ACMG Guidelines, 2015. Collection method: clinical testing. Allele origin: germline. Inheritance: Autosomal dominant inheritance. Observed: 1 variant allele, 1 heterozygote.
Comment: This study involves interpretation of variants in research participants for the purpose of population health screening. Participant phenotype was not available at the time of variant classification. Additional details can be found in publication PMID: 35346344, PMCID: PMC8962531

NM_000069.3(CACNA1S):c.2129A>G (p.Lys710Arg)

Gene: CACNA1S (calcium voltage-gated channel subunit alpha1 S; minus strand). Cytogenetic location: 1q32.1.
Variant type: single nucleotide variant.
Coding change: c.2129A>G on transcript NM_000069.3 (MANE Select); coding-DNA position 2129, A replaced by G.
Protein change: p.Lys710Arg; replaces lysine 710 with arginine.
Molecular consequence: missense variant.
Genome position (GRCh38, 1-based): chr1:201,073,577, T>C on the plus strand (A>G on the coding strand, the complement: CACNA1S is on the minus strand). VCF-style: chr1-201073577-T-C. GRCh37 (hg19) VCF-style: chr1-201042705-T-C.
Other names: short protein forms K710R.
Identifiers: ClinVar variation 3386358 (VCV003386358.1).